The following is an entry in ClinVar:

NM_000179.3(MSH6):c.4001+1_4001+25del

Gene: MSH6 (mutS homolog 6; plus strand). Cytogenetic location: 2p16.3.
Variant type: Deletion.
Coding change: c.4001+1_4001+25del on transcript NM_000179.3 (MANE Select); the canonical splice donor site of the intron after coding-DNA position 4001 through 25 bases into the intron after coding-DNA position 4001, 25 bases deleted (GTAACTAACTAACTATAATGGAATT).
Molecular consequence: splice donor variant.
Genome position (GRCh38, 1-based): chr2:47,806,652-47,806,676, GTAACTAACTAACTATAATGGAATT deleted. VCF-style (leftmost placement, unchanged base first): chr2-47806651-GGTAACTAACTAACTATAATGGAATT-G. GRCh37 (hg19) VCF-style: chr2-48033790-GGTAACTAACTAACTATAATGGAATT-G.
Other names: c.3095+1_3095+25del (NM_001281493.2, NM_001281494.2); c.3611+1_3611+25del (NM_001281492.2).
Identifiers: ClinVar variation 1736935 (VCV001736935.2), dbSNP rs2530879705, ClinGen allele CA2580067553.
Genomic context (GRCh38, chr2:47,806,651, plus strand): 5'-AAAAGGGACATAGAAAAGCAAGAGAATTTGAGAAGATGAATCAGTCACTACGATTATTTC[GGTAACTAACTAACTATAATGGAATT>G]ATAACTAACTGACCTTAAGTTTCAAAGAAACAGTAAAAGGGGAAGGGATGATGCACTATG-3'

ClinVar aggregate classification (germline): Likely pathogenic (1 of 4 stars; one submission).

Conditions:
Hereditary cancer-predisposing syndrome. Also called: Neoplastic Syndromes, Hereditary; Tumor predisposition; Hereditary Cancer Syndrome; Hereditary neoplastic syndrome. Identifiers: Orphanet 140162, MedGen C0027672, MeSH D009386, MONDO:0015356.

Submission:

Ambry Genetics
Classification: Likely pathogenic for Hereditary cancer-predisposing syndrome. Last evaluated: 2017-11-24. Review status: criteria provided, single submitter. Criteria: Ambry Variant Classification Scheme 2023. Collection method: clinical testing. Allele origin: germline.
Comment: The c.4001+1_4001+25del25 intronic variant, results from a deletion of 25 nucleotides after coding exon 9 of the MSH6 gene. This region is not well conserved in available vertebrate species however the +1 and +2 positions are well conserved. Using the BDGP and ESEfinder splice site prediction tools, this alteration is predicted to abolish the native splice donor site; however, direct evidence is unavailable. Alterations that disrupt the canonical splice site are expected to cause aberrant splicing, resulting in an abnormal protein or a transcript that is subject to nonsense-mediated mRNA decay. As such, this alteration is classified as likely pathogenic.